The following is an entry in ClinVar:

ClinVar aggregate classification (germline): Uncertain significance (1 of 4 stars; one submission).

Conditions:
Primary dilated cardiomyopathy (DCM). Also called: Dilated Cardiomyopathy. Identifiers: Orphanet 217604, MedGen C0007193, MeSH D002311, MONDO:0005021, HP:0001644. Inheritance: Various modes of inheritance.

Submission:

Labcorp Genetics (formerly Invitae), Labcorp
Classification: Uncertain significance for Primary dilated cardiomyopathy. Last evaluated: 2025-09-05. Review status: criteria provided, single submitter. Criteria: Invitae Variant Classification Sherloc (09022015). Collection method: clinical testing. Allele origin: germline.
Comment: This sequence change falls in intron 12 of the NEBL gene. It does not directly change the encoded amino acid sequence of the NEBL protein. It affects a nucleotide within the consensus splice site. This variant is not present in population databases (gnomAD no frequency). This variant has not been reported in the literature in individuals affected with NEBL-related conditions. ClinVar contains an entry for this variant (Variation ID: 643684). Variants that disrupt the consensus splice site are a relatively common cause of aberrant splicing (PMID: 17576681, 9536098). Algorithms developed to predict the effect of sequence changes on RNA splicing suggest that this variant is not likely to affect RNA splicing. In summary, the available evidence is currently insufficient to determine the role of this variant in disease. Therefore, it has been classified as a Variant of Uncertain Significance.

Literature cited by the submitters: PubMed 17576681; PubMed 9536098.

NM_006393.3(NEBL):c.1228-3T>C

Gene: NEBL (nebulette; minus strand). Cytogenetic location: 10p12.31.
Variant type: single nucleotide variant.
Coding change: c.1228-3T>C on transcript NM_006393.3 (MANE Select); 3 bases into the intron before coding-DNA position 1228, T replaced by C.
Molecular consequence: intron variant.
Genome position (GRCh38, 1-based): chr10:20,840,852, A>G on the plus strand (T>C on the coding strand, the complement: NEBL is on the minus strand). VCF-style: chr10-20840852-A-G. GRCh37 (hg19) VCF-style: chr10-21129781-A-G.
Other names: c.250-27912T>C (NM_001377326.1, NM_001377327.1, NM_001377328.1); c.358-27912T>C (NM_213569.2, NM_001173484.2, NM_001377322.1); c.301-27912T>C (NM_001377324.1); c.292-27912T>C (NM_001377325.1); c.310-27912T>C (NM_001377323.1).
Identifiers: ClinVar variation 643684 (VCV000643684.9), dbSNP rs1588750815, ClinGen allele CA915945861.